The following is an entry in ClinVar:

ClinVar aggregate classification (germline): Uncertain significance (1 of 4 stars; one submission).

Submission:

Labcorp Genetics (formerly Invitae), Labcorp
Classification: Uncertain significance. Last evaluated: 2024-04-29. Review status: criteria provided, single submitter. Criteria: Invitae Variant Classification Sherloc (09022015). Collection method: clinical testing. Allele origin: germline.
Comment: This sequence change replaces aspartic acid, which is acidic and polar, with histidine, which is basic and polar, at codon 4833 of the PCLO protein (p.Asp4833His). This variant is not present in population databases (gnomAD no frequency). This variant has not been reported in the literature in individuals affected with PCLO-related conditions. Experimental studies and prediction algorithms are not available or were not evaluated, and the functional significance of this variant is currently unknown. In summary, the available evidence is currently insufficient to determine the role of this variant in disease. Therefore, it has been classified as a Variant of Uncertain Significance.

NM_033026.6(PCLO):c.14497G>C (p.Asp4833His)

Gene: PCLO (piccolo presynaptic cytomatrix protein; minus strand). Cytogenetic location: 7q21.11.
Variant type: single nucleotide variant.
Coding change: c.14497G>C on transcript NM_033026.6 (MANE Select); coding-DNA position 14497, G replaced by C.
Protein change: p.Asp4833His; replaces aspartic acid 4833 with histidine.
Molecular consequence: missense variant.
Genome position (GRCh38, 1-based): chr7:82,824,335, C>G on the plus strand (G>C on the coding strand, the complement: PCLO is on the minus strand). VCF-style: chr7-82824335-C-G. GRCh37 (hg19) VCF-style: chr7-82453651-C-G.
Other names: c.14497G>C, p.Asp4833His (NM_014510.3); short protein forms D4833H.
Identifiers: ClinVar variation 2813263 (VCV002813263.3), dbSNP rs1382885046, ClinGen allele CA368020326.